The following is an entry in ClinVar:

ClinVar aggregate classification (germline): Uncertain significance (1 of 4 stars; one submission).

Conditions:
Melanoma, cutaneous malignant, susceptibility to, 5. Also called: Cutaneous malignant melanoma 5. Identifiers: Orphanet 618, MedGen C2751295, MONDO:0013133, OMIM 613099.

Submission:

Labcorp Genetics (formerly Invitae), Labcorp
Classification: Uncertain significance for Melanoma, cutaneous malignant, susceptibility to, 5. Last evaluated: 2024-03-15. Review status: criteria provided, single submitter. Criteria: Invitae Variant Classification Sherloc (09022015). Collection method: clinical testing. Allele origin: germline.
Comment: This sequence change replaces threonine, which is neutral and polar, with asparagine, which is neutral and polar, at codon 244 of the MC1R protein (p.Thr244Asn). This variant is present in population databases (rs777147258, gnomAD 0.003%). This variant has not been reported in the literature in individuals affected with MC1R-related conditions. Advanced modeling of protein sequence and biophysical properties (such as structural, functional, and spatial information, amino acid conservation, physicochemical variation, residue mobility, and thermodynamic stability) performed at Invitae indicates that this missense variant is expected to disrupt MC1R protein function with a positive predictive value of 80%. In summary, the available evidence is currently insufficient to determine the role of this variant in disease. Therefore, it has been classified as a Variant of Uncertain Significance.

NM_002386.4(MC1R):c.731C>A (p.Thr244Asn)

Gene: MC1R (melanocortin 1 receptor; plus strand). Cytogenetic location: 16q24.3.
Variant type: single nucleotide variant.
Coding change: c.731C>A on transcript NM_002386.4 (MANE Select); coding-DNA position 731, C replaced by A.
Protein change: p.Thr244Asn; replaces threonine 244 with asparagine.
Molecular consequence: missense variant.
Genome position (GRCh38, 1-based): chr16:89,919,989, C>A. VCF-style: chr16-89919989-C-A. GRCh37 (hg19) VCF-style: chr16-89986397-C-A.
Other names: short protein forms T244N.
Identifiers: ClinVar variation 3606692 (VCV003606692.2).